The following is an entry in ClinVar:

ClinVar aggregate classification (germline): Uncertain significance (1 of 4 stars; one submission).

Allele frequency attached by ClinVar (database versions not stated): TOPMed below 0.00001; gnomAD 0.00001.

Submission:

Labcorp Genetics (formerly Invitae), Labcorp
Classification: Uncertain significance. Last evaluated: 2020-12-20. Review status: criteria provided, single submitter. Criteria: Invitae Variant Classification Sherloc (09022015). Collection method: clinical testing. Allele origin: germline.
Comment: This variant has not been reported in the literature in individuals with AP3B2-related conditions. This variant is not present in population databases (ExAC no frequency). This variant, c.2556_2558del, is a complex sequence change that results in the deletion of 2 amino acids and insertion of 1 amino acid in the AP3B2 protein (p.Ser852_Pro853delinsArg). In summary, the available evidence is currently insufficient to determine the role of this variant in disease. Therefore, it has been classified as a Variant of Uncertain Significance. Experimental studies and prediction algorithms are not available or were not evaluated, and the functional significance of this variant is currently unknown.

NM_001278512.2(AP3B2):c.2613_2615del (p.Ser871_Pro872delinsArg)

Genes: AP3B2 (adaptor related protein complex 3 subunit beta 2; minus strand), CPEB1-AS1 (CPEB1 antisense RNA 1; plus strand). Cytogenetic location: 15q25.2.
Variant type: Deletion.
Coding change: c.2613_2615del on transcript NM_001278512.2 (MANE Select); coding-DNA positions 2613 to 2615, 3 bases deleted (TCC; older notation c.2613_2615delTCC).
Protein change: p.Ser871_Pro872delinsArg.
Molecular consequence: inframe indel.
Genome position (GRCh38, 1-based): chr15:82,662,912-82,662,914, GGA deleted on the plus strand (TCC on the coding strand, the reverse complement: AP3B2 is on the minus strand). VCF-style (leftmost placement, unchanged base first): chr15-82662911-TGGA-T. GRCh37 (hg19) VCF-style: chr15-83331663-TGGA-T.
Other names: c.2460_2462del, p.Ser820_Pro821delinsArg (NM_001278511.2); c.2556_2558del, p.Ser852_Pro853delinsArg (NM_004644.5).
Identifiers: ClinVar variation 1495220 (VCV001495220.6), dbSNP rs2047979366, ClinGen allele CA972079754.